The following is an entry in ClinVar:

NM_002693.3(POLG):c.948G>A (p.Lys316=)

Gene: POLG (DNA polymerase gamma, catalytic subunit; minus strand). Cytogenetic location: 15q26.1.
Variant type: single nucleotide variant.
Coding change: c.948G>A on transcript NM_002693.3 (MANE Select); coding-DNA position 948, G replaced by A.
Protein change: p.Lys316=; no amino-acid change (lysine 316 retained).
Molecular consequence: synonymous variant.
Genome position (GRCh38, 1-based): chr15:89,329,018, C>T on the plus strand (G>A on the coding strand, the complement: POLG is on the minus strand). VCF-style: chr15-89329018-C-T. GRCh37 (hg19) VCF-style: chr15-89872249-C-T.
Other names: p.K316K:AAG>AAA; c.948G>A, p.Lys316= (NM_001126131.2).
Identifiers: ClinVar variation 129999 (VCV000129999.68), dbSNP rs61756401, ClinGen allele CA232565.
Genomic context (GRCh38, chr15:89,329,018, plus strand): 5'-GGCTTTCCTCTGGGACTTCTGGCCTTGCTTTGTGGGGGGCTGGACCTTGTGTTTGCCCTG[C>T]TTGGCTGCTATCCACAGACTGCGCTGGAAGCTGCTTAGCCCTGAGATGGCCATGTGCATG-3'
Protein context (NP_002684.1, residues 306-326): SFQRSLWIAA[Lys316=]QGKHKVQPPT

ClinVar aggregate classification (germline): Benign/Likely benign. Review status: criteria provided, multiple submitters, no conflicts (2 of 4 stars). 18 submissions from 18 submitters: Benign (7); Likely benign (7). 4 of the submissions do not count toward it. Last evaluated 2026-07-01.

Conditions:
POLG-related disorder. Also called: POLG-related condition; POLG-Related Disorders; POLG-Related Spectrum Disorders. Identifiers: MedGen C4763519.
Inborn genetic diseases. Identifiers: MedGen C0950123, MeSH D030342.
Hereditary spastic paraplegia. Also called: Familial spastic paraparesis. Identifiers: Orphanet 685, MedGen C0037773, MONDO:0019064. Disease mechanism: loss of function.
Progressive sclerosing poliodystrophy (MTDPS4A). Also called: Alpers-Huttenlocher Syndrome (AHS); NEURONAL DEGENERATION OF CHILDHOOD WITH LIVER DISEASE, PROGRESSIVE; ALPERS PROGRESSIVE INFANTILE POLIODYSTROPHY; Alpers Syndrome; Alpers-Huttenlocher Syndrome; ALPERS DIFFUSE DEGENERATION OF CEREBRAL GRAY MATTER WITH HEPATIC CIRRHOSIS. Identifiers: Orphanet 726, MedGen C0205710, MONDO:0008758, OMIM 203700.

Allele frequency attached by ClinVar (database versions not stated): ESP Exome Variant Server 0.00038; TOPMed 0.00119; gnomAD exomes 0.00201 and 0.00421; gnomAD 0.00259 and 0.00276; 1000 Genomes Project 30x 0.00281; 1000 Genomes Project 0.00359; ExAC 0.00394.

Submissions (18):

CeGaT Center for Human Genetics Tuebingen
Classification: Likely benign. Last evaluated: 2026-07-01. Review status: criteria provided, single submitter. Criteria: CeGaT Center For Human Genetics Tuebingen Variant Classification Criteria Version 2. Collection method: clinical testing. Allele origin: germline. Affected: yes. Observed: 18 variant alleles.
Comment: POLG: BP4, BP7, BS1

Labcorp Genetics (formerly Invitae), Labcorp
Classification: Benign for Progressive sclerosing poliodystrophy. Last evaluated: 2026-02-01. Review status: criteria provided, single submitter. Criteria: Invitae Variant Classification Sherloc (09022015). Collection method: clinical testing. Allele origin: germline.

Blueprint Genetics
Classification: Likely benign. Last evaluated: 2024-11-15. Review status: criteria provided, single submitter. Criteria: ACMG Guidelines, 2015. Collection method: clinical testing. Allele origin: germline.

PreventionGenetics, part of Exact Sciences
Classification: Benign for POLG-related condition. Last evaluated: 2024-10-28. Review status: criteria provided, single submitter. Criteria: ACMG Guidelines, 2015. Collection method: clinical testing. Allele origin: germline.
Comment: This variant is classified as benign based on ACMG/AMP sequence variant interpretation guidelines (Richards et al. 2015 PMID: 25741868, with internal and published modifications).

Athena Diagnostics
Classification: Benign. Last evaluated: 2023-12-14. Review status: criteria provided, single submitter. Criteria: Athena Diagnostics Criteria. Collection method: clinical testing. Allele origin: unknown.

Wong Mito Lab, Molecular and Human Genetics, Baylor College of Medicine
Classification: Benign for Progressive sclerosing poliodystrophy. Last evaluated: 2018-10-01. Review status: criteria provided, single submitter. Criteria: ACMG Guidelines, 2015. Collection method: clinical testing. Allele origin: germline.
Comment: The NM_002693.2:c.948G>A (NP_002684.1:p.Lys316=) [GRCH38: NC_000015.10:g.89329018C>T] variant in POLG gene is interpretated to be a Benign based on ACMG guidelines (PMID: 25741868). This variant meets the following evidence codes reported in the ACMG-guideline. BS1:The minor allele frequency of this allele is high for Mitochondrial DNA depletion syndrome 4A (Alpers type). BS2:Observation of the variant in controls is inconsistent with penetrance of Mitochondrial DNA depletion syndrome 4A (Alpers type). Based on the evidence criteria codes applied, the variant is suggested to be Benign.

Genome Diagnostics Laboratory, The Hospital for Sick Children
Classification: Likely benign for Hereditary spastic paraplegia. Last evaluated: 2018-02-01. Review status: criteria provided, single submitter. Criteria: ACMG Guidelines, 2015. Collection method: clinical testing. Allele origin: germline. Affected: yes.

Illumina Laboratory Services, Illumina
Classification: Likely benign for POLG-Related Spectrum Disorders. Last evaluated: 2018-01-12. Review status: criteria provided, single submitter. Criteria: ICSL Variant Classification Criteria 13 December 2019. Collection method: clinical testing. Allele origin: germline.
Comment: This variant was observed in the ICSL laboratory as part of a predisposition screen in an ostensibly healthy population. It had not been previously curated by ICSL or reported in the Human Gene Mutation Database (HGMD: prior to June 1st, 2018), and was therefore a candidate for classification through an automated scoring system. Utilizing variant allele frequency, disease prevalence and penetrance estimates, and inheritance mode, an automated score was calculated to assess if this variant is too frequent to cause the disease. Based on the score and internal cut-off values, a variant classified as likely benign is not then subjected to further curation. The score for this variant resulted in a classification of likely benign for this disease.

Center for Pediatric Genomic Medicine, Children's Mercy Hospital and Clinics
Classification: Likely benign. Last evaluated: 2017-01-11. Review status: criteria provided, single submitter. Criteria: ACMG Guidelines, 2015. Collection method: clinical testing. Allele origin: germline.
ClinVar note: Converted during submission from Likely Benign to Likely benign.

Ambry Genetics
Classification: Benign for Inborn genetic diseases. Last evaluated: 2016-06-23. Review status: criteria provided, single submitter. Criteria: Ambry Variant Classification Scheme 2023. Collection method: clinical testing. Allele origin: germline.

Laboratory for Molecular Medicine, Mass General Brigham Personalized Medicine
Classification: Likely benign. Last evaluated: 2016-03-28. Review status: criteria provided, single submitter. Criteria: LMM Criteria. Collection method: clinical testing. Allele origin: germline.
Comment: Variant identified in a genome or exome case(s) and assessed due to predicted null impact of the variant or pathogenic assertions in the literature or databases. Disclaimer: This variant has not undergone full assessment. The following are preliminary notes: High allele frequency

Eurofins Ntd Llc (ga)
Classification: Benign. Last evaluated: 2015-06-17. Review status: criteria provided, single submitter. Criteria: EGL Classification Definitions 2015. Collection method: clinical testing. Allele origin: germline. Observed: 3 variant alleles, 3 heterozygotes.

GeneDx
Classification: Benign. Last evaluated: 2013-04-04. Review status: criteria provided, single submitter. Criteria: GeneDx Variant Classification (06012015). Collection method: clinical testing. Allele origin: germline. Affected: yes.
Comment: This variant is considered likely benign or benign based on one or more of the following criteria: it is a conservative change, it occurs at a poorly conserved position in the protein, it is predicted to be benign by multiple in silico algorithms, and/or has population frequency not consistent with disease.

Breakthrough Genomics
Classification: Likely benign. Review status: criteria provided, single submitter. Criteria: ACMG Guidelines, 2015. Collection method: not provided. Allele origin: germline. Inheritance: Autosomal recessive inheritance. Affected: yes.

Clinical Genetics DNA and cytogenetics Diagnostics Lab, Erasmus MC, Erasmus Medical Center
Classification: Benign. Review status: no assertion criteria provided. Collection method: clinical testing. Allele origin: germline. Affected: yes. Study: VKGL Data-share Consensus. Not counted in ClinVar's aggregate classification.

Diagnostic Laboratory, Department of Genetics, University Medical Center Groningen
Classification: Likely benign. Review status: no assertion criteria provided. Collection method: clinical testing. Allele origin: germline. Affected: yes. Study: VKGL Data-share Consensus. Not counted in ClinVar's aggregate classification.

Genetic Services Laboratory, University of Chicago
Classification: Likely benign for AllHighlyPenetrant. Review status: no assertion criteria provided. Collection method: clinical testing. Allele origin: germline. Inheritance: Autosomal recessive inheritance. Not counted in ClinVar's aggregate classification.
Comment: Likely benign based on allele frequency in 1000 Genomes Project or ESP global frequency and its presence in a patient with a rare or unrelated disease phenotype. NOT Sanger confirmed.

Genome Diagnostics Laboratory, University Medical Center Utrecht
Classification: Likely benign. Review status: no assertion criteria provided. Collection method: clinical testing. Allele origin: germline. Affected: yes. Study: VKGL Data-share Consensus. Not counted in ClinVar's aggregate classification.

Literature cited by the submitters: PubMed 28958595 (cited by Athena Diagnostics); PubMed 25660390 (cited by Athena Diagnostics).